The following is an entry in ClinVar:

NM_000098.3(CPT2):c.1941G>A (p.Met647Ile)

Gene: CPT2 (carnitine palmitoyltransferase 2; plus strand). Cytogenetic location: 1p32.3.
Variant type: single nucleotide variant.
Coding change: c.1941G>A on transcript NM_000098.3 (MANE Select); coding-DNA position 1941, G replaced by A.
Protein change: p.Met647Ile; replaces methionine 647 with isoleucine.
Molecular consequence: missense variant.
Genome position (GRCh38, 1-based): chr1:53,213,559, G>A. VCF-style: chr1-53213559-G-A. GRCh37 (hg19) VCF-style: chr1-53679231-G-A.
Other names: p.Met647Ile; c.1872G>A, p.Met624Ile (NM_001330589.2); short protein forms M647I, M624I.
Identifiers: ClinVar variation 460431 (VCV000460431.15), dbSNP rs78266699, ClinGen allele CA859321.
Genomic context (GRCh38, chr1:53,213,559, plus strand): 5'-CTACCCAGGCCGCAATGCCCGGGAGTTTCTCCAATGTGTGGAGAAGGCCTTAGAAGACAT[G>A]TTTGATGCCTTAGAAGGCAAATCCATCAAAAGTTAACTTCTGGGCAGATGAAAAGCTACC-3'
Protein context (NP_000089.1, residues 637-657): LQCVEKALED[Met647Ile]FDALEGKSIK

ClinVar aggregate classification (germline): Conflicting classifications of pathogenicity. Review status: criteria provided, conflicting classifications (1 of 4 stars). 4 submissions from 4 submitters: Uncertain significance (2); Likely benign (1). 1 of the submissions does not count toward it. Last evaluated 2026-05-20.

Conditions:
Carnitine palmitoyltransferase II deficiency. Also called: Carnitine Palmitoyltransferase 2 Deficiency. Identifiers: Orphanet 157, MedGen C0342790, MONDO:0015515.

Allele frequency attached by ClinVar (database versions not stated): ESP Exome Variant Server 0.00023; TOPMed 0.00043; gnomAD exomes 0.00008 and 0.00004; ExAC 0.00013; gnomAD 0.00035 and 0.00038; 1000 Genomes Project 0.00060; 1000 Genomes Project 30x 0.00094.
gnomAD v4.1: 107 of 1,614,126 alleles (0.0066%); highest among the groups gnomAD compares: African/African-American, 0.14%; 1 homozygote.

Submissions (4):

Women's Health and Genetics/Laboratory Corporation of America, LabCorp
Classification: Uncertain significance. Last evaluated: 2026-05-20. Review status: criteria provided, single submitter. Criteria: LabCorp Variant Classification Summary - May 2015. Collection method: clinical testing. Allele origin: germline.
Comment: Variant summary: CPT2 c.1941G>A (p.Met647Ile) results in a conservative amino acid change in the encoded protein sequence. Algorithms developed to predict the effect of missense changes on protein structure and function all suggest that this variant is likely to be tolerated. The variant allele was found at a frequency of 8.4e-05 in 250882 control chromosomes. This frequency is not significantly higher than estimated for disease-causing variants in CPT2, allowing no conclusion about variant significance. To our knowledge, no occurrence of c.1941G>A in individuals affected with CPT2-related conditions and no experimental evidence demonstrating its impact on protein function have been reported. ClinVar contains an entry for this variant (Variation ID: 460431). Based on the evidence outlined above, the variant was classified as uncertain significance.

Labcorp Genetics (formerly Invitae), Labcorp
Classification: Likely benign for Carnitine palmitoyltransferase II deficiency. Last evaluated: 2026-01-27. Review status: criteria provided, single submitter. Criteria: Invitae Variant Classification Sherloc (09022015). Collection method: clinical testing. Allele origin: germline.

Mayo Clinic Laboratories, Mayo Clinic
Classification: Uncertain significance. Last evaluated: 2024-04-19. Review status: criteria provided, single submitter. Criteria: ACMG Guidelines, 2015. Collection method: clinical testing. Allele origin: germline. Observed: 1 variant allele.
Comment: BP4_strong

Natera, Inc.
Classification: Uncertain significance for Carnitine palmitoyltransferase II deficiency. Last evaluated: 2019-10-28. Review status: no assertion criteria provided. Collection method: clinical testing. Allele origin: germline. Not counted in ClinVar's aggregate classification.